The following is an entry in ClinVar:

NM_176824.3(BBS7):c.2083C>A (p.Leu695Ile)

Gene: BBS7 (Bardet-Biedl syndrome 7; minus strand). Cytogenetic location: 4q27.
Variant type: single nucleotide variant.
Coding change: c.2083C>A on transcript NM_176824.3 (MANE Select); coding-DNA position 2083, C replaced by A.
Protein change: p.Leu695Ile; replaces leucine 695 with isoleucine.
Molecular consequence: missense variant.
Genome position (GRCh38, 1-based): chr4:121,825,925, G>T on the plus strand (C>A on the coding strand, the complement: BBS7 is on the minus strand). VCF-style: chr4-121825925-G-T. GRCh37 (hg19) VCF-style: chr4-122747080-G-T.
Other names: short protein forms L695I.
Identifiers: ClinVar variation 2076722 (VCV002076722.4), dbSNP rs2476794526, ClinGen allele CA358053541.

ClinVar aggregate classification (germline): Uncertain significance (1 of 4 stars; one submission).

Conditions:
Bardet-Biedl syndrome (BBS). Identifiers: Orphanet 110, MedGen C0752166, MONDO:0015229.

Submission:

Labcorp Genetics (formerly Invitae), Labcorp
Classification: Uncertain significance for Bardet-Biedl syndrome. Last evaluated: 2023-12-07. Review status: criteria provided, single submitter. Criteria: Invitae Variant Classification Sherloc (09022015). Collection method: clinical testing. Allele origin: germline.
Comment: This sequence change replaces leucine, which is neutral and non-polar, with isoleucine, which is neutral and non-polar, at codon 695 of the BBS7 protein (p.Leu695Ile). This variant is not present in population databases (gnomAD no frequency). This variant has not been reported in the literature in individuals affected with BBS7-related conditions. ClinVar contains an entry for this variant (Variation ID: 2076722). Advanced modeling of protein sequence and biophysical properties (such as structural, functional, and spatial information, amino acid conservation, physicochemical variation, residue mobility, and thermodynamic stability) performed at Invitae indicates that this missense variant is not expected to disrupt BBS7 protein function with a negative predictive value of 80%. In summary, the available evidence is currently insufficient to determine the role of this variant in disease. Therefore, it has been classified as a Variant of Uncertain Significance.